The following is an entry in ClinVar:

ClinVar aggregate classification (germline): Uncertain significance. Review status: criteria provided, multiple submitters, no conflicts (2 of 4 stars). 2 submissions from 2 submitters: Uncertain significance (2). Last evaluated 2022-08-17.

Conditions:
Mucopolysaccharidosis, MPS-III-B (MPS3B). Also called: N-ACETYL-ALPHA-D-GLUCOSAMINIDASE DEFICIENCY; NAGLU DEFICIENCY; SANFILIPPO SYNDROME B; MPS III B; MPS IIIB (Sanfilippo Syndrome Type B); MUCOPOLYSACCHARIDOSIS, TYPE IIIB. Identifiers: Orphanet 79270, MedGen C0086648, MONDO:0009656, OMIM 252920.
Charcot-Marie-Tooth disease axonal type 2V. Also called: CHARCOT-MARIE-TOOTH NEUROPATHY, TYPE 2V; CHARCOT-MARIE-TOOTH DISEASE, AXONAL, AUTOSOMAL DOMINANT, TYPE 2V. Identifiers: Orphanet 447964, MedGen C5569050, MONDO:0014665, OMIM 616491.
Inborn genetic diseases. Identifiers: MedGen C0950123, MeSH D030342.

Allele frequency attached by ClinVar (database versions not stated): gnomAD exomes 0.00002 and 0.00001; ESP Exome Variant Server 0.00008; 1000 Genomes Project 30x 0.00016; 1000 Genomes Project 0.00020; TOPMed 0.00004; gnomAD 0.00002 and 0.00003; ExAC 0.00001.
gnomAD v4.1: 14 of 1,613,956 alleles (0.00087%); highest among the groups gnomAD compares: African/African-American, 0.0067%; no homozygotes.

Submissions (2):

Ambry Genetics
Classification: Uncertain significance for Inborn genetic diseases. Last evaluated: 2022-08-17. Review status: criteria provided, single submitter. Criteria: Ambry Variant Classification Scheme 2023. Collection method: clinical testing. Allele origin: germline.

Labcorp Genetics (formerly Invitae), Labcorp
Classification: Uncertain significance for Charcot-Marie-Tooth disease axonal type 2V; Mucopolysaccharidosis, MPS-III-B. Last evaluated: 2022-07-06. Review status: criteria provided, single submitter. Criteria: Invitae Variant Classification Sherloc (09022015). Collection method: clinical testing. Allele origin: germline.
Comment: This sequence change replaces arginine, which is basic and polar, with tryptophan, which is neutral and slightly polar, at codon 228 of the NAGLU protein (p.Arg228Trp). This variant is present in population databases (rs368907396, gnomAD 0.01%). This variant has not been reported in the literature in individuals affected with NAGLU-related conditions. ClinVar contains an entry for this variant (Variation ID: 1480063). Advanced modeling of protein sequence and biophysical properties (such as structural, functional, and spatial information, amino acid conservation, physicochemical variation, residue mobility, and thermodynamic stability) performed at Invitae indicates that this missense variant is expected to disrupt NAGLU protein function. In summary, the available evidence is currently insufficient to determine the role of this variant in disease. Therefore, it has been classified as a Variant of Uncertain Significance.

NM_000263.4(NAGLU):c.682C>T (p.Arg228Trp)

Gene: NAGLU (N-acetyl-alpha-glucosaminidase; plus strand). Cytogenetic location: 17q21.2.
Variant type: single nucleotide variant.
Coding change: c.682C>T on transcript NM_000263.4 (MANE Select); coding-DNA position 682, C replaced by T.
Protein change: p.Arg228Trp; replaces arginine 228 with tryptophan.
Molecular consequence: missense variant.
Genome position (GRCh38, 1-based): chr17:42,538,673, C>T. VCF-style: chr17-42538673-C-T. GRCh37 (hg19) VCF-style: chr17-40690691-C-T.
Other names: c.682C>T (NM_000263.3); short protein forms R228W.
Identifiers: ClinVar variation 1480063 (VCV001480063.6), dbSNP rs368907396, ClinGen allele CA8576832.